The following is an entry in ClinVar:

NM_182476.3(COQ6):c.1253G>A (p.Arg418His)

Genes: COQ6 (coenzyme Q6, monooxygenase; plus strand), ENTPD5 (ectonucleoside triphosphate diphosphohydrolase 5; minus strand). Cytogenetic location: 14q24.3.
Variant type: single nucleotide variant.
Coding change: c.1253G>A on transcript NM_182476.3 (MANE Select); coding-DNA position 1253, G replaced by A.
Protein change: p.Arg418His; replaces arginine 418 with histidine.
Molecular consequence: missense variant. On other transcripts: intron variant (7).
Genome position (GRCh38, 1-based): chr14:73,961,779, G>A. VCF-style: chr14-73961779-G-A. GRCh37 (hg19) VCF-style: chr14-74428482-G-A.
Other names: c.1145G>A, p.Arg382His (NM_001425256.1); c.1088G>A, p.Arg363His (NM_001425257.1); c.1070G>A, p.Arg357His (NM_001425258.1); c.1028G>A, p.Arg343His (NM_001425259.1, NM_001425260.1, NM_001425261.1); c.998G>A, p.Arg333His (NM_001425262.1); c.926G>A, p.Arg309His (NM_001425263.1); c.713G>A, p.Arg238His (NM_001425264.1, NM_001425265.1); c.1178G>A, p.Arg393His (NM_182480.3); and 5 more; short protein forms R418H, R393H.
Identifiers: ClinVar variation 1426769 (VCV001426769.5), dbSNP rs200922212, ClinGen allele CA7264490.

ClinVar aggregate classification (germline): Uncertain significance. Review status: criteria provided, multiple submitters, no conflicts (2 of 4 stars). 2 submissions from 2 submitters: Uncertain significance (2). Last evaluated 2024-05-21.

Conditions:
Inborn genetic diseases. Identifiers: MedGen C0950123, MeSH D030342.

Allele frequency attached by ClinVar (database versions not stated): TOPMed 0.00002; gnomAD 0.00003 and 0.00001; gnomAD exomes 0.00004 and 0.00002; ExAC 0.00005.
gnomAD v4.1: 35 of 1,614,136 alleles (0.0022%); highest among the groups gnomAD compares: Middle Eastern, 0.017%; no homozygotes.

Submissions (2):

Ambry Genetics
Classification: Uncertain significance for Inborn genetic diseases. Last evaluated: 2024-05-21. Review status: criteria provided, single submitter. Criteria: Ambry Variant Classification Scheme 2023. Collection method: clinical testing. Allele origin: germline.

Labcorp Genetics (formerly Invitae), Labcorp
Classification: Uncertain significance. Last evaluated: 2022-01-03. Review status: criteria provided, single submitter. Criteria: Invitae Variant Classification Sherloc (09022015). Collection method: clinical testing. Allele origin: germline.
Comment: This sequence change replaces arginine, which is basic and polar, with histidine, which is basic and polar, at codon 418 of the COQ6 protein (p.Arg418His). This variant is present in population databases (rs200922212, gnomAD 0.01%). This variant has not been reported in the literature in individuals affected with COQ6-related conditions. Algorithms developed to predict the effect of missense changes on protein structure and function are either unavailable or do not agree on the potential impact of this missense change (SIFT: "Tolerated"; PolyPhen-2: "Probably Damaging"; Align-GVGD: "Class C0"). In summary, the available evidence is currently insufficient to determine the role of this variant in disease. Therefore, it has been classified as a Variant of Uncertain Significance.